The following is an entry in ClinVar:

ClinVar aggregate classification (germline): Benign. Review status: criteria provided, multiple submitters, no conflicts (2 of 4 stars). 3 submissions from 3 submitters: Benign (2). 1 of the submissions does not count toward it. Last evaluated 2019-03-23.

Conditions:
MST1R-related disorder. Also called: MST1R-related condition.

Allele frequency attached by ClinVar (database versions not stated): gnomAD exomes 0.40753 and 0.47495; 1000 Genomes Project 0.41653; ExAC 0.41718; 1000 Genomes Project 30x 0.42349; gnomAD 0.50632 and 0.52170; TOPMed 0.52143; ESP Exome Variant Server 0.56059.

Submissions (3):

GeneDx
Classification: Benign. Last evaluated: 2019-03-23. Review status: criteria provided, single submitter. Criteria: GeneDx Variant Classification Process June 2021. Collection method: clinical testing. Allele origin: germline. Affected: yes.

Breakthrough Genomics
Classification: Benign. Review status: criteria provided, single submitter. Criteria: ACMG Guidelines, 2015. Collection method: not provided. Allele origin: germline. Inheritance: Autosomal dominant inheritance. Affected: yes.

PreventionGenetics, part of Exact Sciences
Classification: Benign for MST1R-related condition. Last evaluated: 2019-10-21. Review status: no assertion criteria provided. Collection method: clinical testing. Allele origin: germline. Not counted in ClinVar's aggregate classification.
Comment: This variant is classified as benign based on ACMG/AMP sequence variant interpretation guidelines (Richards et al. 2015 PMID: 25741868, with internal and published modifications).

NM_002447.4(MST1R):c.1568A>G (p.Gln523Arg)

Gene: MST1R (macrophage stimulating 1 receptor; minus strand). Cytogenetic location: 3p21.31.
Variant type: single nucleotide variant.
Coding change: c.1568A>G on transcript NM_002447.4 (MANE Select); coding-DNA position 1568, A replaced by G.
Protein change: p.Gln523Arg; replaces glutamine 523 with arginine.
Molecular consequence: missense variant. On other transcripts: non-coding transcript variant (1).
Genome position (GRCh38, 1-based): chr3:49,898,669, T>C on the plus strand (A>G on the coding strand, the complement: MST1R is on the minus strand). VCF-style: chr3-49898669-T-C. GRCh37 (hg19) VCF-style: chr3-49936102-T-C.
Other names: c.1568A>G, p.Gln523Arg (NM_001244937.3); c.1250A>G, p.Gln417Arg (NM_001318913.2); short protein forms Q417R, Q523R.
Identifiers: ClinVar variation 1237612 (VCV001237612.6), dbSNP rs2230590, ClinGen allele CA2409185.